The following is an entry in ClinVar:

ClinVar aggregate classification (germline): Uncertain significance (1 of 4 stars; one submission).

Allele frequency attached by ClinVar (database versions not stated): gnomAD exomes below 0.00001.
gnomAD v4.1: 1 of 1,614,176 alleles (0.000062%); highest among the groups gnomAD compares: Non-Finnish European, 0.000085%; no homozygotes.

Submission:

Labcorp Genetics (formerly Invitae), Labcorp
Classification: Uncertain significance. Last evaluated: 2022-02-19. Review status: criteria provided, single submitter. Criteria: Invitae Variant Classification Sherloc (09022015). Collection method: clinical testing. Allele origin: germline.
Comment: In summary, the available evidence is currently insufficient to determine the role of this variant in disease. Therefore, it has been classified as a Variant of Uncertain Significance. Algorithms developed to predict the effect of missense changes on protein structure and function (SIFT, PolyPhen-2, Align-GVGD) all suggest that this variant is likely to be disruptive. This variant has not been reported in the literature in individuals affected with LAMC3-related conditions. This variant is not present in population databases (gnomAD no frequency). This sequence change replaces proline, which is neutral and non-polar, with leucine, which is neutral and non-polar, at codon 700 of the LAMC3 protein (p.Pro700Leu).

NM_006059.4(LAMC3):c.2099C>T (p.Pro700Leu)

Gene: LAMC3 (laminin subunit gamma 3; plus strand). Cytogenetic location: 9q34.12.
Variant type: single nucleotide variant.
Coding change: c.2099C>T on transcript NM_006059.4 (MANE Select); coding-DNA position 2099, C replaced by T.
Protein change: p.Pro700Leu; replaces proline 700 with leucine.
Molecular consequence: missense variant.
Genome position (GRCh38, 1-based): chr9:131,057,088, C>T. VCF-style: chr9-131057088-C-T. GRCh37 (hg19) VCF-style: chr9-133932475-C-T.
Other names: short protein forms P700L.
Identifiers: ClinVar variation 2099749 (VCV002099749.4), dbSNP rs2538288875, ClinGen allele CA375266192.